The following is an entry in ClinVar:

ClinVar aggregate classification (germline): Uncertain significance (1 of 4 stars; one submission).

Allele frequency attached by ClinVar (database versions not stated): gnomAD exomes 0.00005; gnomAD 0.00009; ESP Exome Variant Server 0.00023; 1000 Genomes Project 30x 0.00047; 1000 Genomes Project 0.00060.

Submission:

Labcorp Genetics (formerly Invitae), Labcorp
Classification: Uncertain significance. Last evaluated: 2022-02-10. Review status: criteria provided, single submitter. Criteria: Invitae Variant Classification Sherloc (09022015). Collection method: clinical testing. Allele origin: germline.
Comment: This sequence change replaces alanine, which is neutral and non-polar, with valine, which is neutral and non-polar, at codon 206 of the HMOX1 protein (p.Ala206Val). This variant is present in population databases (rs138349040, gnomAD 0.02%). This variant has not been reported in the literature in individuals affected with HMOX1-related conditions. Algorithms developed to predict the effect of missense changes on protein structure and function are either unavailable or do not agree on the potential impact of this missense change (SIFT: "Tolerated"; PolyPhen-2: "Probably Damaging"; Align-GVGD: "Class C0"). In summary, the available evidence is currently insufficient to determine the role of this variant in disease. Therefore, it has been classified as a Variant of Uncertain Significance.

NM_002133.3(HMOX1):c.617C>T (p.Ala206Val)

Gene: HMOX1 (heme oxygenase 1; plus strand). Cytogenetic location: 22q12.3.
Variant type: single nucleotide variant.
Coding change: c.617C>T on transcript NM_002133.3 (MANE Select); coding-DNA position 617, C replaced by T.
Protein change: p.Ala206Val; replaces alanine 206 with valine.
Molecular consequence: missense variant.
Genome position (GRCh38, 1-based): chr22:35,387,157, C>T. VCF-style: chr22-35387157-C-T. GRCh37 (hg19) VCF-style: chr22-35783150-C-T.
Other names: short protein forms A206V.
Identifiers: ClinVar variation 2058016 (VCV002058016.1), dbSNP rs138349040, ClinGen allele CA10204763.